The following is an entry in ClinVar:

ClinVar aggregate classification (germline): Uncertain significance (1 of 4 stars; one submission).

Allele frequency attached by ClinVar (database versions not stated): ExAC 0.00001; gnomAD 0.00001.

Submission:

Labcorp Genetics (formerly Invitae), Labcorp
Classification: Uncertain significance. Last evaluated: 2022-03-01. Review status: criteria provided, single submitter. Criteria: Invitae Variant Classification Sherloc (09022015). Collection method: clinical testing. Allele origin: germline.
Comment: This sequence change replaces alanine, which is neutral and non-polar, with threonine, which is neutral and polar, at codon 217 of the PROM1 protein (p.Ala217Thr). This variant is present in population databases (rs746299115, gnomAD 0.003%). In summary, the available evidence is currently insufficient to determine the role of this variant in disease. Therefore, it has been classified as a Variant of Uncertain Significance. Algorithms developed to predict the effect of missense changes on protein structure and function (SIFT, PolyPhen-2, Align-GVGD) all suggest that this variant is likely to be tolerated. This variant has not been reported in the literature in individuals affected with PROM1-related conditions.

NM_006017.3(PROM1):c.649G>A (p.Ala217Thr)

Gene: PROM1 (prominin 1; minus strand). Cytogenetic location: 4p15.32.
Variant type: single nucleotide variant.
Coding change: c.649G>A on transcript NM_006017.3 (MANE Select); coding-DNA position 649, G replaced by A.
Protein change: p.Ala217Thr; replaces alanine 217 with threonine.
Molecular consequence: missense variant.
Genome position (GRCh38, 1-based): chr4:16,024,340, C>T on the plus strand (G>A on the coding strand, the complement: PROM1 is on the minus strand). VCF-style: chr4-16024340-C-T. GRCh37 (hg19) VCF-style: chr4-16025963-C-T.
Other names: c.622G>A, p.Ala208Thr (NM_001145847.2, NM_001145848.2, NM_001145851.2 and 4 more transcripts); c.649G>A, p.Ala217Thr (NM_001145849.2, NM_001145850.2); short protein forms A208T, A217T.
Identifiers: ClinVar variation 1965334 (VCV001965334.5), dbSNP rs746299115, ClinGen allele CA2867010.
Genomic context (GRCh38, chr4:16,024,340, plus strand): 5'-TTAAATTTTACTCACTGTTCAGATCTGTGAACGCCTTGTCCTTGGTAGTGTTGTACTGGG[C>T]CAATATATATTTGATTTGCTGAAAAAAGAACATTCTGTGAAACCTCCCCTTCTAAGGTCC-3'
Protein context (NP_006008.1, residues 207-227): ETPEQIKYIL[Ala217Thr]QYNTTKDKAF